The following is an entry in ClinVar:

NM_001291303.3(FAT4):c.14666G>A (p.Arg4889Lys)

Gene: FAT4 (FAT atypical cadherin 4; plus strand). Cytogenetic location: 4q28.1.
Variant type: single nucleotide variant.
Coding change: c.14666G>A on transcript NM_001291303.3 (MANE Select); coding-DNA position 14666, G replaced by A.
Protein change: p.Arg4889Lys; replaces arginine 4889 with lysine.
Molecular consequence: missense variant.
Genome position (GRCh38, 1-based): chr4:125,491,482, G>A. VCF-style: chr4-125491482-G-A. GRCh37 (hg19) VCF-style: chr4-126412637-G-A.
Other names: c.14663G>A, p.Arg4888Lys (NM_001291285.3); c.14660G>A, p.Arg4887Lys (NM_024582.6); short protein forms R4889K, R4887K, R4888K.
Identifiers: ClinVar variation 445868 (VCV000445868.18), dbSNP rs35845544, ClinGen allele CA3074600.
Genomic context (GRCh38, chr4:125,491,482, plus strand): 5'-TGCCCAAATTATCTCAAGTCAATGAATCTGATGCAGATGATGAAGATAATTATGGAGCCA[G>A]ACTGAAGCCTCGAAGGTACCACGGTCGCAGGGCCGAGGGAGGACCTGTGGGCACCCAGGC-3'
Protein context (NP_001278232.1, residues 4879-4899): DADDEDNYGA[Arg4889Lys]LKPRRYHGRR

ClinVar aggregate classification (germline): Benign/Likely benign. Review status: criteria provided, multiple submitters, no conflicts (2 of 4 stars). 7 submissions from 7 submitters: Benign (1); Likely benign (5). 1 of the submissions does not count toward it. Last evaluated 2026-03-10.

Conditions:
FAT4-related disorder. Also called: FAT4-related condition.

Allele frequency attached by ClinVar (database versions not stated): gnomAD exomes 0.00076; ExAC 0.00096; 1000 Genomes Project 0.00240; gnomAD 0.00261; TOPMed 0.00268; ESP Exome Variant Server 0.00277; 1000 Genomes Project 30x 0.00281.
gnomAD v4.1: 767 of 1,614,162 alleles (0.048%); highest among the groups gnomAD compares: African/African-American, 0.84%; 1 homozygote.

Submissions (7):

Women's Health and Genetics/Laboratory Corporation of America, LabCorp
Classification: Likely benign. Last evaluated: 2026-03-10. Review status: criteria provided, single submitter. Criteria: LabCorp Variant Classification Summary - May 2015. Collection method: clinical testing. Allele origin: germline.
Comment: Variant summary: FAT4 c.14660G>A (p.Arg4887Lys) results in a conservative amino acid change in the encoded protein sequence. Algorithms developed to predict the effect of missense changes on protein structure and function are either unavailable or do not agree on the potential impact of this missense change. The variant allele was found at a frequency of 0.00076 in 251332 control chromosomes, predominantly at a frequency of 0.0094 within the African or African-American subpopulation in the gnomAD database. The observed variant frequency within African or African-American control individuals in the gnomAD database exceeds the estimated maximal expected allele frequency for disease-causing variants in FAT4. To our knowledge, no occurrence of c.14660G>A in individuals affected with FAT4-related conditions and no experimental evidence demonstrating its impact on protein function have been reported. ClinVar contains an entry for this variant (Variation ID: 445868). Based on the evidence outlined above, the variant was classified as likely benign.

Labcorp Genetics (formerly Invitae), Labcorp
Classification: Benign. Last evaluated: 2026-01-27. Review status: criteria provided, single submitter. Criteria: Invitae Variant Classification Sherloc (09022015). Collection method: clinical testing. Allele origin: germline.

Blueprint Genetics
Classification: Likely benign. Last evaluated: 2024-11-06. Review status: criteria provided, single submitter. Criteria: ACMG Guidelines, 2015. Collection method: clinical testing. Allele origin: germline.

GeneDx
Classification: Likely benign. Last evaluated: 2021-03-19. Review status: criteria provided, single submitter. Criteria: GeneDx Variant Classification Process June 2021. Collection method: clinical testing. Allele origin: germline. Affected: yes.

Center for Pediatric Genomic Medicine, Children's Mercy Hospital and Clinics
Classification: Likely benign. Last evaluated: 2017-06-19. Review status: criteria provided, single submitter. Criteria: ACMG Guidelines, 2015. Collection method: clinical testing. Allele origin: germline.

Eurofins Ntd Llc (ga)
Classification: Likely benign. Last evaluated: 2017-02-06. Review status: criteria provided, single submitter. Criteria: EGL Classification Definitions 2015. Collection method: clinical testing. Allele origin: germline. Observed: 1 variant allele, 1 heterozygote.

PreventionGenetics, part of Exact Sciences
Classification: Benign for FAT4-related condition. Last evaluated: 2023-05-26. Review status: no assertion criteria provided. Collection method: clinical testing. Allele origin: germline. Not counted in ClinVar's aggregate classification.
Comment: This variant is classified as benign based on ACMG/AMP sequence variant interpretation guidelines (Richards et al. 2015 PMID: 25741868, with internal and published modifications).